The following is an entry in ClinVar:

ClinVar aggregate classification (germline): Uncertain significance (1 of 4 stars; one submission).

Conditions:
Joubert syndrome 14 (JBTS14). Identifiers: MedGen C3280766, MONDO:0013745, OMIM 614424.

Submission:

Labcorp Genetics (formerly Invitae), Labcorp
Classification: Uncertain significance for Joubert syndrome 14. Last evaluated: 2022-09-27. Review status: criteria provided, single submitter. Criteria: Invitae Variant Classification Sherloc (09022015). Collection method: clinical testing. Allele origin: germline.
Comment: In summary, the available evidence is currently insufficient to determine the role of this variant in disease. Therefore, it has been classified as a Variant of Uncertain Significance. This sequence change replaces leucine, which is neutral and non-polar, with arginine, which is basic and polar, at codon 322 of the TMEM237 protein (p.Leu322Arg). This variant is not present in population databases (gnomAD no frequency). This variant has not been reported in the literature in individuals affected with TMEM237-related conditions. ClinVar contains an entry for this variant (Variation ID: 959913). Advanced modeling of protein sequence and biophysical properties (such as structural, functional, and spatial information, amino acid conservation, physicochemical variation, residue mobility, and thermodynamic stability) performed at Invitae indicates that this missense variant is expected to disrupt TMEM237 protein function.

NM_001044385.3(TMEM237):c.965T>G (p.Leu322Arg)

Gene: TMEM237 (transmembrane protein 237; minus strand). Cytogenetic location: 2q33.1.
Variant type: single nucleotide variant.
Coding change: c.965T>G on transcript NM_001044385.3 (MANE Select); coding-DNA position 965, T replaced by G.
Protein change: p.Leu322Arg; replaces leucine 322 with arginine.
Molecular consequence: missense variant.
Genome position (GRCh38, 1-based): chr2:201,627,393, A>C on the plus strand (T>G on the coding strand, the complement: TMEM237 is on the minus strand). VCF-style: chr2-201627393-A-C. GRCh37 (hg19) VCF-style: chr2-202492116-A-C.
Other names: c.941T>G, p.Leu314Arg (NM_152388.4); short protein forms L322R, L314R.
Identifiers: ClinVar variation 959913 (VCV000959913.9), dbSNP rs1957768968, ClinGen allele CA350306631.